The following is an entry in ClinVar:

NM_000903.3(NQO1):c.756T>G (p.Phe252Leu)

Gene: NQO1 (NAD(P)H quinone dehydrogenase 1; minus strand). Cytogenetic location: 16q22.1.
Variant type: single nucleotide variant.
Coding change: c.756T>G on transcript NM_000903.3 (MANE Select); coding-DNA position 756, T replaced by G.
Protein change: p.Phe252Leu; replaces phenylalanine 252 with leucine.
Molecular consequence: missense variant.
Genome position (GRCh38, 1-based): chr16:69,711,045, A>C on the plus strand (T>G on the coding strand, the complement: NQO1 is on the minus strand). VCF-style: chr16-69711045-A-C. GRCh37 (hg19) VCF-style: chr16-69744948-A-C.
Other names: c.654T>G, p.Phe218Leu (NM_001025433.2); c.642T>G, p.Phe214Leu (NM_001025434.2); c.540T>G, p.Phe180Leu (NM_001286137.2); short protein forms F180L, F252L, F218L, F214L.
Identifiers: ClinVar variation 2624658 (VCV002624658.2), dbSNP rs2544317871, ClinGen allele CA396487431.

ClinVar aggregate classification (germline): Uncertain significance (1 of 4 stars; one submission).

Submission:

Ambry Genetics
Classification: Uncertain significance. Last evaluated: 2023-08-01. Review status: criteria provided, single submitter. Criteria: Ambry Variant Classification Scheme 2023. Collection method: clinical testing. Allele origin: germline.
Comment: The p.F252L variant (also known as c.756T>G), located in coding exon 6 of the NQO1 gene, results from a T to G substitution at nucleotide position 756. The phenylalanine at codon 252 is replaced by leucine, an amino acid with highly similar properties. This amino acid position is conserved. In addition, this alteration is predicted to be tolerated by in silico analysis. Since supporting evidence is limited at this time, the clinical significance of this alteration remains unclear.